The following is an entry in ClinVar:

NM_001371986.1(UNC80):c.5925G>T (p.Met1975Ile)

Gene: UNC80 (unc-80 homolog, NALCN channel complex subunit; plus strand). Cytogenetic location: 2q34.
Variant type: single nucleotide variant.
Coding change: c.5925G>T on transcript NM_001371986.1 (MANE Select); coding-DNA position 5925, G replaced by T.
Protein change: p.Met1975Ile; replaces methionine 1975 with isoleucine.
Molecular consequence: missense variant.
Genome position (GRCh38, 1-based): chr2:209,930,985, G>T. VCF-style: chr2-209930985-G-T. GRCh37 (hg19) VCF-style: chr2-210795709-G-T.
Other names: c.5727G>T, p.Met1909Ile (NM_032504.2); c.5712G>T, p.Met1904Ile (NM_182587.4); short protein forms M1909I, M1975I, M1904I.
Identifiers: ClinVar variation 1392904 (VCV001392904.6), dbSNP rs2124965705, ClinGen allele CA350767340.
Genomic context (GRCh38, chr2:209,930,985, plus strand): 5'-ATGGCAGCTGAAGGAAACATTAAAAATTCTGTTCTTCTTTCAGGATGAGTTAATGTACAT[G>T]CTGCGCAAACTTCTCTTGAATATTGGAGACTTTCCTGCTCAGACATCTCACATCCTATTC-3'
Protein context (NP_001358915.1, residues 1965-1985): ISNRQDELMY[Met1975Ile]LRKLLLNIGD

ClinVar aggregate classification (germline): Uncertain significance (1 of 4 stars; one submission).

Submission:

Labcorp Genetics (formerly Invitae), Labcorp
Classification: Uncertain significance. Last evaluated: 2021-07-03. Review status: criteria provided, single submitter. Criteria: Invitae Variant Classification Sherloc (09022015). Collection method: clinical testing. Allele origin: germline.
Comment: Algorithms developed to predict the effect of missense changes on protein structure and function are either unavailable or do not agree on the potential impact of this missense change (SIFT: "Not Available"; PolyPhen-2: "Possibly Damaging"; Align-GVGD: "Not Available"). In summary, the available evidence is currently insufficient to determine the role of this variant in disease. Therefore, it has been classified as a Variant of Uncertain Significance. This variant has not been reported in the literature in individuals affected with UNC80-related conditions. This variant is not present in population databases (ExAC no frequency). This sequence change replaces methionine with isoleucine at codon 1909 of the UNC80 protein (p.Met1909Ile). The methionine residue is moderately conserved and there is a small physicochemical difference between methionine and isoleucine.